The following is an entry in ClinVar:

ClinVar aggregate classification (germline): Likely pathogenic (1 of 4 stars; one submission).

Conditions:
Familial hypokalemia-hypomagnesemia (GTLMNS). Also called: HYPOMAGNESEMIA-HYPOKALEMIA, PRIMARY RENOTUBULAR, WITH HYPOCALCIURIA; POTASSIUM AND MAGNESIUM DEPLETION; gitelman syndrome. Identifiers: Orphanet 358, MedGen C0268450, MONDO:0009904, OMIM 263800.

Allele frequency attached by ClinVar (database versions not stated): gnomAD 0.00001.
gnomAD v4.1: 16 of 1,605,068 alleles (0.001%); highest among the groups gnomAD compares: Admixed American, 0.0017%; no homozygotes.

Submission:

Fulgent Genetics
Classification: Likely pathogenic for Familial hypokalemia-hypomagnesemia. Last evaluated: 2021-06-30. Review status: criteria provided, single submitter. Criteria: ACMG Guidelines, 2015. Collection method: clinical testing. Allele origin: unknown.
Comment: This variant has been detected in individual(s) who were sent for testing of Renasight - kidney gene panel.

NM_001126108.2(SLC12A3):c.1485C>A (p.Phe495Leu)

Gene: SLC12A3 (solute carrier family 12 member 3; plus strand). Cytogenetic location: 16q13.
Variant type: single nucleotide variant.
Coding change: c.1485C>A on transcript NM_001126108.2 (MANE Select); coding-DNA position 1485, C replaced by A.
Protein change: p.Phe495Leu; replaces phenylalanine 495 with leucine.
Molecular consequence: missense variant.
Genome position (GRCh38, 1-based): chr16:56,880,171, C>A. VCF-style: chr16-56880171-C-A. GRCh37 (hg19) VCF-style: chr16-56914083-C-A.
Other names: c.1485C>A, p.Phe495Leu (NM_000339.3); c.1482C>A, p.Phe494Leu (NM_001126107.2); short protein forms F494L, F495L.
Identifiers: ClinVar variation 1179062 (VCV001179062.2), dbSNP rs1297766065, ClinGen allele CA395988096.